The following is an entry in ClinVar:

ClinVar aggregate classification (germline): Likely pathogenic (1 of 4 stars; one submission).

Conditions:
Autosomal recessive titinopathy. Identifiers: MedGen CN315649, MONDO:0100493.

gnomAD v4.1: 1 of 1,555,334 alleles (0.000064%); highest among the groups gnomAD compares: South Asian, 0.0012%; no homozygotes.

Submission:

Women's Health and Genetics/Laboratory Corporation of America, LabCorp
Classification: Likely pathogenic for Autosomal recessive titinopathy. Last evaluated: 2025-01-16. Review status: criteria provided, single submitter. Criteria: LabCorp Variant Classification Summary - May 2015. Collection method: clinical testing. Allele origin: germline.
Comment: Variant summary: TTN NM_133378:c.27616+1G>A (also known as NM_001267550:c.31348+1G>A) is located in a canonical splice-site and is predicted to affect mRNA splicing resulting in a significantly altered protein due to either exon skipping, shortening, or inclusion of intronic material. Variants that disrupt the consensus splice site are a relatively common cause of aberrant splicing and loss of TTN function. Several computational tools predict a significant impact on normal splicing: Three predict the variant abolishes a 5' splicing donor site. However, these predictions have yet to be confirmed by functional studies. Loss of function variants in all TTN bands are strongly associated with a spectrum of autosomal recessive titinopathies when exon expression (proportion spliced in, PSI, 1=complete expression) in skeletal muscle is >0.1 (PMID: 36977548, 39198997, 29598826, 32778822, 29691892, 33449170, 36977548, internal data). In contrast, loss of function variants in all TTN bands are only strongly associated with autosomal dominant TTN-related cardiomyopathies if located in exons constitutively expressed (PSI >0.9) in cardiac muscle, excluding extreme C-terminal exons 359-363 (PMID: 25589632, 31216868, 32964742, 34662387, 27869827, Shetty et al., Nat Cardiovasc Res 2024,, internal data). This variant has a maximum skeletal muscle PSI of 0.833 and a maximum cardiac muscle PSI of 0.630. The variant was absent in 169536 control chromosomes. To our knowledge, no occurrence of c.27616+1G>A in individuals affected with TTN-related conditions and no experimental evidence demonstrating its impact on protein function have been reported. The following publication has been ascertained in the context of this evaluation (PMID: 35177841). ClinVar contains an entry for this variant (Variation ID: 2682621). Based on the evidence outlined above, the variant was classified as likely pathogenic for autosomal recessive TTN-related conditions.

Literature cited by the submitters: PubMed 35177841.

NM_001267550.2(TTN):c.31348+1G>A

Gene: TTN (titin; minus strand). Cytogenetic location: 2q31.2.
Variant type: single nucleotide variant.
Coding change: c.31348+1G>A on transcript NM_001267550.2 (MANE Select); the canonical splice donor site of the intron after coding-DNA position 31348, G replaced by A.
Molecular consequence: splice donor variant. On other transcripts: intron variant (3).
Genome position (GRCh38, 1-based): chr2:178,694,828, C>T on the plus strand (G>A on the coding strand, the complement: TTN is on the minus strand). VCF-style: chr2-178694828-C-T. GRCh37 (hg19) VCF-style: chr2-179559555-C-T.
Other names: c.13282+43254G>A (NM_003319.4); c.13858+43254G>A (NM_133437.4); c.13657+43254G>A (NM_133432.3); c.27616+1G>A (NM_133378.4); c.30397+1G>A (NM_001256850.1).
Identifiers: ClinVar variation 2682621 (VCV002682621.2), dbSNP rs2073306650, ClinGen allele CA349562899.